The following is an entry in ClinVar:

NM_001110219.3(GJB6):c.455A>G (p.Tyr152Cys)

Gene: GJB6 (gap junction protein beta 6; minus strand). Cytogenetic location: 13q12.11.
Variant type: single nucleotide variant.
Coding change: c.455A>G on transcript NM_001110219.3 (MANE Select); coding-DNA position 455, A replaced by G.
Protein change: p.Tyr152Cys; replaces tyrosine 152 with cysteine.
Molecular consequence: missense variant.
Genome position (GRCh38, 1-based): chr13:20,223,026, T>C on the plus strand (A>G on the coding strand, the complement: GJB6 is on the minus strand). VCF-style: chr13-20223026-T-C. GRCh37 (hg19) VCF-style: chr13-20797165-T-C.
Other names: c.455A>G, p.Tyr152Cys (NM_001110220.3, NM_001110221.3, NM_001370090.1 and 3 more transcripts); short protein forms Y152C.
Identifiers: ClinVar variation 4782662 (VCV004782662.1).

ClinVar aggregate classification (germline): Uncertain significance (1 of 4 stars; one submission).

Conditions:
Autosomal dominant nonsyndromic hearing loss 3B. Identifiers: Orphanet 90635, MedGen C2675237, MONDO:0012975, OMIM 612643.
Autosomal recessive nonsyndromic hearing loss 1A (DFNB1A). Also called: Connexin 26 deafness; Deafness nonsyndromic, Connexin 26 linked; GJB6-Related DFNB 1 Nonsyndromic Hearing Loss and Deafness; Deafness, autosomal recessive 1A; Nonsyndromic Hearing Loss and Deafness, DFNB1; GJB2-Related Autosomal Recessive Nonsyndromic Hearing Loss. Identifiers: Orphanet 90636, MedGen C2673759, MONDO:0009076, OMIM 220290.
Hidrotic ectodermal dysplasia syndrome (GJB6). Also called: CLOUSTON HIDROTIC ECTODERMAL DYSPLASIA; Ectodermal dysplasia 2, hidrotic; Autosomal dominant hidrotic ectodermal dysplasia; Clouston syndrome; Clouston's hidrotic ectodermal dysplasia; ECTODERMAL DYSPLASIA 2, CLOUSTON TYPE. Identifiers: Orphanet 189, MedGen C0162361, MONDO:0007510, OMIM 129500.
Autosomal recessive nonsyndromic hearing loss 1B. Also called: DEAFNESS, AUTOSOMAL RECESSIVE 1B. Identifiers: Orphanet 90636, MedGen C2675235, MONDO:0012977, OMIM 612645.

gnomAD v4.1: 1 of 1,614,162 alleles (0.000062%); highest among the groups gnomAD compares: Non-Finnish European, 0.000085%; no homozygotes.

Submission:

Labcorp Genetics (formerly Invitae), Labcorp
Classification: Uncertain significance for Autosomal dominant nonsyndromic hearing loss 3B; Hidrotic ectodermal dysplasia syndrome; Autosomal recessive nonsyndromic hearing loss 1B; Autosomal recessive nonsyndromic hearing loss 1A. Last evaluated: 2026-01-16. Review status: criteria provided, single submitter. Criteria: Invitae Variant Classification Sherloc (09022015). Collection method: clinical testing. Allele origin: germline.
Comment: This sequence change replaces tyrosine, which is neutral and polar, with cysteine, which is neutral and slightly polar, at codon 152 of the GJB6 protein (p.Tyr152Cys). This variant is not present in population databases (gnomAD no frequency). This variant has not been reported in the literature in individuals affected with GJB6-related conditions. Invitae Evidence Modeling of protein sequence and biophysical properties (such as structural, functional, and spatial information, amino acid conservation, physicochemical variation, residue mobility, and thermodynamic stability) indicates that this missense variant is not expected to disrupt GJB6 protein function with a negative predictive value of 80%. In summary, the available evidence is currently insufficient to determine the role of this variant in disease. Therefore, it has been classified as a Variant of Uncertain Significance.